The following is an entry in ClinVar:

NM_000465.4(BARD1):c.1195T>C (p.Leu399=)

Gene: BARD1 (BRCA1 associated RING domain 1; minus strand). Cytogenetic location: 2q35.
Variant type: single nucleotide variant.
Coding change: c.1195T>C on transcript NM_000465.4 (MANE Select); coding-DNA position 1195, T replaced by C.
Protein change: p.Leu399=; no amino-acid change (leucine 399 retained).
Molecular consequence: synonymous variant. On other transcripts: non-coding transcript variant (2), intron variant (3).
Genome position (GRCh38, 1-based): chr2:214,780,679, A>G on the plus strand (T>C on the coding strand, the complement: BARD1 is on the minus strand). VCF-style: chr2-214780679-A-G. GRCh37 (hg19) VCF-style: chr2-215645403-A-G.
Other names: c.1138T>C, p.Leu380= (NM_001282543.2); c.159-28124T>C (NM_001282548.2); c.215+16382T>C (NM_001282545.2); c.364+11618T>C (NM_001282549.2).
Identifiers: ClinVar variation 385299 (VCV000385299.20), dbSNP rs201729742, ClinGen allele CA16604124.

ClinVar aggregate classification (germline): Benign/Likely benign. Review status: criteria provided, multiple submitters, no conflicts (2 of 4 stars). 6 submissions from 6 submitters: Benign (1); Likely benign (5). Last evaluated 2025-12-29.

Conditions:
Hereditary cancer-predisposing syndrome. Also called: Neoplastic Syndromes, Hereditary; Tumor predisposition; Hereditary Cancer Syndrome; Hereditary neoplastic syndrome. Identifiers: Orphanet 140162, MedGen C0027672, MeSH D009386, MONDO:0015356.
Familial cancer of breast. Also called: BREAST CANCER, FAMILIAL; hereditary breast carcinoma; Hereditary breast cancer. Identifiers: Orphanet 227535, MedGen C0346153, MONDO:0016419, OMIM 114480. Disease mechanism: loss of function.

Allele frequency attached by ClinVar (database versions not stated): gnomAD 0.00001; gnomAD exomes 0.00001; 1000 Genomes Project 0.00040; 1000 Genomes Project 30x 0.00062.

Submissions (6):

Center for Genomic Medicine, Rigshospitalet, Copenhagen University Hospital
Classification: Likely benign. Last evaluated: 2025-12-29. Review status: criteria provided, single submitter. Criteria: ACMG Guidelines, 2015. Collection method: clinical testing. Allele origin: germline.

Labcorp Genetics (formerly Invitae), Labcorp
Classification: Likely benign for Familial cancer of breast. Last evaluated: 2024-12-11. Review status: criteria provided, single submitter. Criteria: Invitae Variant Classification Sherloc (09022015). Collection method: clinical testing. Allele origin: germline.

Myriad Genetics, Inc.
Classification: Benign for Familial cancer of breast. Last evaluated: 2024-07-24. Review status: criteria provided, single submitter. Criteria: Myriad Autosomal Dominant, Autosomal Recessive and X-Linked Classification Criteria (2023). Collection method: clinical testing. Allele origin: unknown.
Comment: This variant is considered benign. This variant is a silent/synonymous amino acid change and it is not expected to impact splicing.

Blueprint Genetics
Classification: Likely benign. Last evaluated: 2022-06-05. Review status: criteria provided, single submitter. Criteria: ACMG Guidelines, 2015. Collection method: clinical testing. Allele origin: germline.

GeneDx
Classification: Likely benign. Last evaluated: 2016-04-04. Review status: criteria provided, single submitter. Criteria: GeneDx Variant Classification (06012015). Collection method: clinical testing. Allele origin: germline. Affected: yes.
Comment: This variant is considered likely benign or benign based on one or more of the following criteria: it is a conservative change, it occurs at a poorly conserved position in the protein, it is predicted to be benign by multiple in silico algorithms, and/or has population frequency not consistent with disease.

Ambry Genetics
Classification: Likely benign for Hereditary cancer-predisposing syndrome. Last evaluated: 2015-10-12. Review status: criteria provided, single submitter. Criteria: Ambry Variant Classification Scheme 2023. Collection method: clinical testing. Allele origin: germline.